The following is an entry in ClinVar:

ClinVar aggregate classification (germline): Uncertain significance (1 of 4 stars; one submission).

Submission:

GeneDx
Classification: Uncertain significance. Last evaluated: 2025-02-25. Review status: criteria provided, single submitter. Criteria: GeneDx Variant Classification Process June 2021. Collection method: clinical testing. Allele origin: germline. Affected: yes.
Comment: Not observed at significant frequency in large population cohorts (gnomAD); In-frame deletion of 1 amino acid(s) in a non-repeat region; In silico analysis indicates that this variant does not alter protein structure/function; Has not been previously published as pathogenic or benign to our knowledge

NM_030632.3(ASXL3):c.2673TAA[1] (p.Asn892del)

Gene: ASXL3 (ASXL transcriptional regulator 3; plus strand). Cytogenetic location: 18q12.1.
Variant type: Microsatellite.
Coding change: c.2673TAA[1] on transcript NM_030632.3 (MANE Select); one copy of the 3-base unit TAA starting at c.2673; the reference has two copies in a row; one copy, 3 bases deleted.
Protein change: p.Asn892del; deletes asparagine 892.
Molecular consequence: inframe deletion.
Genome position (GRCh38, 1-based): chr18:33,740,080-33,740,082, TAA deleted; deleting any 3 consecutive bases within chr18:33,740,076-33,740,082 gives the same sequence; the position shown is the placement nearest the transcript's 3' end. VCF-style (leftmost placement, unchanged base first): chr18-33740075-GATA-G. GRCh37 (hg19) VCF-style: chr18-31320039-GATA-G.
Other names: short protein forms N892del.
Identifiers: ClinVar variation 4077305 (VCV004077305.1).